The following is an entry in ClinVar:

ClinVar aggregate classification (germline): Likely pathogenic (1 of 4 stars; one submission).

Submission:

GeneDx
Classification: Likely pathogenic. Last evaluated: 2022-09-12. Review status: criteria provided, single submitter. Criteria: GeneDx Variant Classification Process June 2021. Collection method: clinical testing. Allele origin: germline. Affected: yes.
Comment: Not observed at significant frequency in large population cohorts (gnomAD); In silico analysis supports that this missense variant has a deleterious effect on protein structure/function; Has not been previously published as pathogenic or benign to our knowledge

NM_015335.5(MED13L):c.6509T>G (p.Leu2170Trp)

Gene: MED13L (mediator complex subunit 13L; minus strand). Cytogenetic location: 12q24.21.
Variant type: single nucleotide variant.
Coding change: c.6509T>G on transcript NM_015335.5 (MANE Select); coding-DNA position 6509, T replaced by G.
Protein change: p.Leu2170Trp; replaces leucine 2170 with tryptophan.
Molecular consequence: missense variant.
Genome position (GRCh38, 1-based): chr12:115,961,390, A>C on the plus strand (T>G on the coding strand, the complement: MED13L is on the minus strand). VCF-style: chr12-115961390-A-C. GRCh37 (hg19) VCF-style: chr12-116399195-A-C.
Other names: short protein forms L2170W.
Identifiers: ClinVar variation 2443570 (VCV002443570.1), dbSNP rs2499941131, ClinGen allele CA386872991.